The following is an entry in ClinVar:

NM_000548.5(TSC2):c.5010C>T (p.His1670=)

Gene: TSC2 (TSC complex subunit 2; plus strand). Cytogenetic location: 16p13.3.
Variant type: single nucleotide variant.
Coding change: c.5010C>T on transcript NM_000548.5 (MANE Select); coding-DNA position 5010, C replaced by T.
Protein change: p.His1670=; no amino-acid change (histidine 1670 retained).
Molecular consequence: synonymous variant.
Genome position (GRCh38, 1-based): chr16:2,087,883, C>T. VCF-style: chr16-2087883-C-T. GRCh37 (hg19) VCF-style: chr16-2137884-C-T.
Other names: c.4809C>T, p.His1603= (NM_001077183.3); c.4941C>T, p.His1647= (NM_001114382.3); c.4701C>T, p.His1567= (NM_001318827.2); c.4665C>T, p.His1555= (NM_001318829.2); c.4278C>T, p.His1426= (NM_001318831.2); c.4842C>T, p.His1614= (NM_001318832.2); c.4812C>T, p.His1604= (NM_001363528.2); c.4878C>T, p.His1626= (NM_001370404.1); and 2 more.
Identifiers: ClinVar variation 413652 (VCV000413652.29), dbSNP rs376306544, ClinGen allele CA053480.

ClinVar aggregate classification (germline): Conflicting classifications of pathogenicity. Review status: criteria provided, conflicting classifications (1 of 4 stars). 11 submissions from 11 submitters: Uncertain significance (1); Benign (1); Likely benign (9). Last evaluated 2026-01-13.

Conditions:
TSC2-related disorder. Also called: TSC2-Related Disorders; TSC2-related condition.
Hereditary cancer-predisposing syndrome. Also called: Hereditary Cancer Syndrome; Tumor predisposition; Hereditary neoplastic syndrome; Neoplastic Syndromes, Hereditary. Identifiers: Orphanet 140162, MedGen C0027672, MeSH D009386, MONDO:0015356.
Tuberous sclerosis syndrome (TSC). Also called: Tuberous sclerosis; Tuberous Sclerosis Complex. Identifiers: Orphanet 805, MedGen C0041341, MONDO:0001734.
Tuberous sclerosis 2 (TSC2). Identifiers: Orphanet 805, MedGen C1860707, MONDO:0013199, OMIM 613254.

Allele frequency attached by ClinVar (database versions not stated): ExAC 0.00002; gnomAD exomes 0.00002; gnomAD 0.00003 and 0.00004; TOPMed 0.00003; ESP Exome Variant Server 0.00008.

Submissions (11):

Labcorp Genetics (formerly Invitae), Labcorp
Classification: Likely benign for Tuberous sclerosis 2. Last evaluated: 2026-01-13. Review status: criteria provided, single submitter. Criteria: Invitae Variant Classification Sherloc (09022015). Collection method: clinical testing. Allele origin: germline.

Myriad Genetics, Inc.
Classification: Benign for Tuberous sclerosis 2. Last evaluated: 2025-06-05. Review status: criteria provided, single submitter. Criteria: Myriad Autosomal Dominant, Autosomal Recessive and X-Linked Classification Criteria (2023). Collection method: clinical testing. Allele origin: unknown.
Comment: This variant is considered benign. This variant is a silent/synonymous amino acid change and it is not expected to impact splicing.

PreventionGenetics, part of Exact Sciences
Classification: Likely benign for TSC2-related condition. Last evaluated: 2025-04-15. Review status: criteria provided, single submitter. Criteria: ACMG Guidelines, 2015. Collection method: clinical testing. Allele origin: germline.
Comment: This variant is classified as likely benign based on ACMG/AMP sequence variant interpretation guidelines (Richards et al. 2015 PMID: 25741868, with internal and published modifications).

Blueprint Genetics
Classification: Likely benign. Last evaluated: 2024-09-23. Review status: criteria provided, single submitter. Criteria: ACMG Guidelines, 2015. Collection method: clinical testing. Allele origin: germline.

Women's Health and Genetics/Laboratory Corporation of America, LabCorp
Classification: Likely benign. Last evaluated: 2024-01-31. Review status: criteria provided, single submitter. Criteria: LabCorp Variant Classification Summary - May 2015. Collection method: clinical testing. Allele origin: germline.
Comment: Variant summary: TSC2 c.5010C>T alters a conserved nucleotide resulting in a synonymous change. Consensus agreement among computation tools predict no significant impact on normal splicing. However, these predictions have yet to be confirmed by functional studies. The variant allele was found at a frequency of 1.6e-05 in 249740 control chromosomes, predominantly at a frequency of 6.2e-05 within the African or African-American subpopulation in the gnomAD database. The available data on variant occurrences in the general population are insufficient to allow any conclusion about variant significance. To our knowledge, no occurrence of c.5010C>T in individuals affected with Tuberous Sclerosis Complex and no experimental evidence demonstrating its impact on protein function have been reported. ClinVar contains an entry for this variant (Variation ID: 413652). Based on the evidence outlined above, the variant was classified as likely benign.

Color Diagnostics, LLC DBA Color Health
Classification: Likely benign for Tuberous sclerosis syndrome. Last evaluated: 2022-11-06. Review status: criteria provided, single submitter. Criteria: ACMG Guidelines, 2015. Collection method: clinical testing. Allele origin: germline.

Genome-Nilou Lab
Classification: Likely benign for Tuberous sclerosis 2. Last evaluated: 2021-11-07. Review status: criteria provided, single submitter. Criteria: ACMG Guidelines, 2015. Collection method: clinical testing. Allele origin: germline. Affected: no.

Sema4
Classification: Likely benign for Hereditary cancer-predisposing syndrome. Last evaluated: 2021-05-03. Review status: criteria provided, single submitter. Criteria: Sema4 Curation Guidelines. Collection method: curation. Allele origin: germline.

GeneDx
Classification: Likely benign. Last evaluated: 2020-07-10. Review status: criteria provided, single submitter. Criteria: GeneDx Variant Classification Process June 2021. Collection method: clinical testing. Allele origin: germline. Affected: yes.

Illumina Laboratory Services, Illumina
Classification: Uncertain significance for Tuberous sclerosis syndrome. Last evaluated: 2018-01-13. Review status: criteria provided, single submitter. Criteria: ICSL Variant Classification Criteria 13 December 2019. Collection method: clinical testing. Allele origin: germline.

Ambry Genetics
Classification: Likely benign for Hereditary cancer-predisposing syndrome. Last evaluated: 2017-01-04. Review status: criteria provided, single submitter. Criteria: Ambry Variant Classification Scheme 2023. Collection method: clinical testing. Allele origin: germline.